The following is an entry in ClinVar:

ClinVar aggregate classification (germline): Uncertain significance (1 of 4 stars; one submission).

Conditions:
Cardiovascular phenotype. Identifiers: MedGen CN230736.

gnomAD v4.1: 4 of 1,614,080 alleles (0.00025%); highest among the groups gnomAD compares: South Asian, 0.0011%; no homozygotes.

Submission:

Ambry Genetics
Classification: Uncertain significance for Cardiovascular phenotype. Last evaluated: 2024-07-25. Review status: criteria provided, single submitter. Criteria: Ambry Variant Classification Scheme 2023. Collection method: clinical testing. Allele origin: germline.
Comment: The p.G1534S variant (also known as c.4600G>A), located in coding exon 33 of the ABCA1 gene, results from a G to A substitution at nucleotide position 4600. The glycine at codon 1534 is replaced by serine, an amino acid with similar properties. This amino acid position is conserved. In addition, this alteration is predicted to be deleterious by in silico analysis. Based on the available evidence, the clinical significance of this variant remains unclear.

NM_005502.4(ABCA1):c.4600G>A (p.Gly1534Ser)

Gene: ABCA1 (ATP binding cassette subfamily A member 1; minus strand). Cytogenetic location: 9q31.1.
Variant type: single nucleotide variant.
Coding change: c.4600G>A on transcript NM_005502.4 (MANE Select); coding-DNA position 4600, G replaced by A.
Protein change: p.Gly1534Ser; replaces glycine 1534 with serine.
Molecular consequence: missense variant.
Genome position (GRCh38, 1-based): chr9:104,802,152, C>T on the plus strand (G>A on the coding strand, the complement: ABCA1 is on the minus strand). VCF-style: chr9-104802152-C-T. GRCh37 (hg19) VCF-style: chr9-107564433-C-T.
Other names: short protein forms G1534S.
Identifiers: ClinVar variation 3491589 (VCV003491589.1).
Genomic context (GRCh38, chr9:104,802,152, plus strand): 5'-CATCATTAACTTCTTGACTCGGAGGAAGTGCTTGAGTATTACTGACACCCAGGGAAAAGC[C>T]GCCATACCTAAAAGAACAGCCTGACATTAAAACCCAGACAGTGGGGTGCACAGTATCATC-3'
Protein context (NP_005493.2, residues 1524-1544): KIWVNEFRYG[Gly1534Ser]FSLGVSNTQA